The following is an entry in ClinVar:

NM_033087.4(ALG2):c.235C>G (p.Leu79Val)

Gene: ALG2 (ALG2 alpha-1,3/1,6-mannosyltransferase; minus strand). Cytogenetic location: 9q22.33.
Variant type: single nucleotide variant.
Coding change: c.235C>G on transcript NM_033087.4 (MANE Select); coding-DNA position 235, C replaced by G.
Protein change: p.Leu79Val; replaces leucine 79 with valine.
Molecular consequence: missense variant. On other transcripts: non-coding transcript variant (1).
Genome position (GRCh38, 1-based): chr9:99,221,660, G>C on the plus strand (C>G on the coding strand, the complement: ALG2 is on the minus strand). VCF-style: chr9-99221660-G-C. GRCh37 (hg19) VCF-style: chr9-101983942-G-C.
Other names: short protein forms L79V.
Identifiers: ClinVar variation 2143174 (VCV002143174.4), dbSNP rs754499878, ClinGen allele CA5156436.

ClinVar aggregate classification (germline): Uncertain significance (1 of 4 stars; one submission).

Conditions:
Congenital disorder of glycosylation, type Ii. Also called: ALG2-congenital disorder of glycosylation; CDG Ii; ALG2-CDG. Identifiers: Orphanet 79326, MedGen C1842836, MONDO:0011933, OMIM 607906.
Congenital myasthenic syndrome 14. Also called: Myasthenic syndrome, congenital, 14, with tubular aggregates. Identifiers: Orphanet 353327, Orphanet 590, MedGen C4015597, MONDO:0014543, OMIM 616228.

Allele frequency attached by ClinVar (database versions not stated): ExAC 0.00016.

Submission:

Labcorp Genetics (formerly Invitae), Labcorp
Classification: Uncertain significance for Congenital disorder of glycosylation, type Ii; Congenital myasthenic syndrome 14. Last evaluated: 2022-07-13. Review status: criteria provided, single submitter. Criteria: Invitae Variant Classification Sherloc (09022015). Collection method: clinical testing. Allele origin: germline.
Comment: This variant has not been reported in the literature in individuals affected with ALG2-related conditions. In summary, the available evidence is currently insufficient to determine the role of this variant in disease. Therefore, it has been classified as a Variant of Uncertain Significance. Algorithms developed to predict the effect of missense changes on protein structure and function (SIFT, PolyPhen-2, Align-GVGD) all suggest that this variant is likely to be tolerated. This variant is present in population databases (rs754499878, gnomAD 0.03%). This sequence change replaces leucine, which is neutral and non-polar, with valine, which is neutral and non-polar, at codon 79 of the ALG2 protein (p.Leu79Val).